The following is an entry in ClinVar:

NM_032833.5(PPP1R15B):c.1694C>T (p.Pro565Leu)

Gene: PPP1R15B (protein phosphatase 1 regulatory subunit 15B; minus strand). Cytogenetic location: 1q32.1.
Variant type: single nucleotide variant.
Coding change: c.1694C>T on transcript NM_032833.5 (MANE Select); coding-DNA position 1694, C replaced by T.
Protein change: p.Pro565Leu; replaces proline 565 with leucine.
Molecular consequence: missense variant.
Genome position (GRCh38, 1-based): chr1:204,409,718, G>A on the plus strand (C>T on the coding strand, the complement: PPP1R15B is on the minus strand). VCF-style: chr1-204409718-G-A. GRCh37 (hg19) VCF-style: chr1-204378846-G-A.
Other names: short protein forms P565L.
Identifiers: ClinVar variation 436407 (VCV000436407.10), dbSNP rs147451458, ClinGen allele CA1346587.

ClinVar aggregate classification (germline): Uncertain significance. Review status: criteria provided, multiple submitters, no conflicts (2 of 4 stars). 2 submissions from 2 submitters: Uncertain significance (2). Last evaluated 2025-09-04.

Allele frequency attached by ClinVar (database versions not stated): TOPMed 0.00011; ExAC 0.00014; gnomAD 0.00016; ESP Exome Variant Server 0.00038.
gnomAD v4.1: 234 of 1,613,916 alleles (0.014%); highest among the groups gnomAD compares: Middle Eastern, 0.016%; no homozygotes.

Submissions (2):

Labcorp Genetics (formerly Invitae), Labcorp
Classification: Uncertain significance. Last evaluated: 2025-09-04. Review status: criteria provided, single submitter. Criteria: Invitae Variant Classification Sherloc (09022015). Collection method: clinical testing. Allele origin: germline.
Comment: This sequence change replaces proline, which is neutral and non-polar, with leucine, which is neutral and non-polar, at codon 565 of the PPP1R15B protein (p.Pro565Leu). This variant is present in population databases (rs147451458, gnomAD 0.09%), and has an allele count higher than expected for a pathogenic variant. This variant has not been reported in the literature in individuals affected with PPP1R15B-related conditions. ClinVar contains an entry for this variant (Variation ID: 436407). Invitae Evidence Modeling of protein sequence and biophysical properties (such as structural, functional, and spatial information, amino acid conservation, physicochemical variation, residue mobility, and thermodynamic stability) indicates that this missense variant is expected to disrupt PPP1R15B protein function with a positive predictive value of 80%. In summary, the available evidence is currently insufficient to determine the role of this variant in disease. Therefore, it has been classified as a Variant of Uncertain Significance.

Genetic Services Laboratory, University of Chicago
Classification: Uncertain significance. Last evaluated: 2017-05-01. Review status: criteria provided, single submitter. Criteria: ACMG Guidelines, 2015. Collection method: clinical testing. Allele origin: germline. Affected: no.